The following is an entry in ClinVar:

ClinVar aggregate classification (germline): Uncertain significance. Review status: criteria provided, multiple submitters, no conflicts (2 of 4 stars). 3 submissions from 3 submitters: Uncertain significance (3). Last evaluated 2025-05-15.

Conditions:
DYRK1A-related intellectual disability syndrome (MRD7). Also called: DYRK1A Syndrome; Intellectual developmental disorder, autosomal dominant 7. Identifiers: Orphanet 464306, MedGen C5568143, MONDO:0013578, OMIM 614104.

Allele frequency attached by ClinVar (database versions not stated): gnomAD exomes below 0.00001.
gnomAD v4.1: 3 of 1,608,082 alleles (0.00019%); highest among the groups gnomAD compares: Non-Finnish European, 0.00025%; no homozygotes.

Submissions (3):

Women's Health and Genetics/Laboratory Corporation of America, LabCorp
Classification: Uncertain significance. Last evaluated: 2025-05-15. Review status: criteria provided, single submitter. Criteria: LabCorp Variant Classification Summary - May 2015. Collection method: clinical testing. Allele origin: germline.
Comment: Variant summary: DYRK1A c.478G>A (p.Glu160Lys) results in a conservative amino acid change in the encoded protein sequence. Algorithms developed to predict the effect of missense changes on protein structure and function are either unavailable or do not agree on the potential impact of this missense change. The variant allele was found at a frequency of 4.1e-06 in 243092 control chromosomes. The available data on variant occurrences in the general population are insufficient to allow any conclusion about variant significance. To our knowledge, no occurrence of c.478G>A in individuals affected with Mental Retardation, Autosomal Dominant 7 and no experimental evidence demonstrating its impact on protein function have been reported. ClinVar contains an entry for this variant (Variation ID: 1302610). Based on the evidence outlined above, the variant was classified as uncertain significance.

Labcorp Genetics (formerly Invitae), Labcorp
Classification: Uncertain significance for DYRK1A-related intellectual disability syndrome. Last evaluated: 2022-11-29. Review status: criteria provided, single submitter. Criteria: Invitae Variant Classification Sherloc (09022015). Collection method: clinical testing. Allele origin: germline.
Comment: This sequence change replaces glutamic acid, which is acidic and polar, with lysine, which is basic and polar, at codon 160 of the DYRK1A protein (p.Glu160Lys). The frequency data for this variant in the population databases is considered unreliable, as metrics indicate poor data quality at this position in the gnomAD database. This variant has not been reported in the literature in individuals affected with DYRK1A-related conditions. ClinVar contains an entry for this variant (Variation ID: 1302610). Advanced modeling of protein sequence and biophysical properties (such as structural, functional, and spatial information, amino acid conservation, physicochemical variation, residue mobility, and thermodynamic stability) performed at Invitae indicates that this missense variant is not expected to disrupt DYRK1A protein function. In summary, the available evidence is currently insufficient to determine the role of this variant in disease. Therefore, it has been classified as a Variant of Uncertain Significance.

GeneDx
Classification: Uncertain significance. Last evaluated: 2019-05-09. Review status: criteria provided, single submitter. Criteria: GeneDx Variant Classification Process June 2021. Collection method: clinical testing. Allele origin: germline. Affected: yes.
Comment: In silico analysis, which includes protein predictors and evolutionary conservation, supports a deleterious effect; Has not been previously published as pathogenic or benign to our knowledge

NM_001347721.2(DYRK1A):c.451G>A (p.Glu151Lys)

Gene: DYRK1A (dual specificity tyrosine phosphorylation regulated kinase 1A; plus strand). Cytogenetic location: 21q22.13.
Variant type: single nucleotide variant.
Coding change: c.451G>A on transcript NM_001347721.2 (MANE Select); coding-DNA position 451, G replaced by A.
Protein change: p.Glu151Lys; replaces glutamic acid 151 with lysine.
Molecular consequence: missense variant.
Genome position (GRCh38, 1-based): chr21:37,480,788, G>A. VCF-style: chr21-37480788-G-A. GRCh37 (hg19) VCF-style: chr21-38853090-G-A.
Other names: c.451G>A, p.Glu151Lys (NM_001347722.2, NM_130436.2); c.364G>A, p.Glu122Lys (NM_001347723.2); c.478G>A, p.Glu160Lys (NM_001396.5, NM_101395.2, NM_130438.2); short protein forms E122K, E151K, E160K.
Identifiers: ClinVar variation 1302610 (VCV001302610.6), dbSNP rs1470299902, ClinGen allele CA409944548.